The following is an entry in ClinVar:

NM_001142864.4(PIEZO1):c.3363A>G (p.Thr1121=)

Gene: PIEZO1 (piezo type mechanosensitive ion channel component 1 (Er blood group); minus strand). Cytogenetic location: 16q24.3.
Variant type: single nucleotide variant.
Coding change: c.3363A>G on transcript NM_001142864.4 (MANE Select); coding-DNA position 3363, A replaced by G.
Protein change: p.Thr1121=; no amino-acid change (threonine 1121 retained).
Molecular consequence: synonymous variant.
Genome position (GRCh38, 1-based): chr16:88,727,131, T>C on the plus strand (A>G on the coding strand, the complement: PIEZO1 is on the minus strand). VCF-style: chr16-88727131-T-C. GRCh37 (hg19) VCF-style: chr16-88793539-T-C.
Other names: p.Thr1121=.
Identifiers: ClinVar variation 780319 (VCV000780319.21), dbSNP rs35100558, ClinGen allele CA8232509.

ClinVar aggregate classification (germline): Benign/Likely benign. Review status: criteria provided, multiple submitters, no conflicts (2 of 4 stars). 5 submissions from 5 submitters: Benign (3); Likely benign (2). Last evaluated 2026-01-26.

Conditions:
Dehydrated hereditary stomatocytosis with or without pseudohyperkalemia and/or perinatal edema (DHS1). Also called: Dehydrated hereditary stomatocytosis 1 with or without pseudohyperkalemia and/or perinatal edema; PSEUDOHYPERKALEMIA EDINBURGH; DEHYDRATED HEREDITARY STOMATOCYTOSIS AND PSEUDOHYPERKALEMIA; DEHYDRATED HEREDITARY STOMATOCYTOSIS WITH PSEUDOHYPERKALEMIA AND PERINATAL EDEMA; Pseudohyperkalemia, familial, 1, due to red cell leak. Identifiers: Orphanet 3202, MedGen C4551512, MONDO:0008689, OMIM 194380.
Lymphatic malformation 6 (LMPHM6). Also called: Lymphedema, hereditary, III; GENERALIZED LYMPHATIC DYSPLASIA OF FOTIOU; PIEZO1-related generalized lymphatic dysplasia with non-immune hydrops fetalis. Identifiers: Orphanet 568062, MedGen C4225184, MONDO:0014797, OMIM 616843.

Allele frequency attached by ClinVar (database versions not stated): gnomAD exomes 0.00106 and 0.00190; ExAC 0.00408; gnomAD 0.01009 and 0.01077; TOPMed 0.01167; 1000 Genomes Project 0.01238; 1000 Genomes Project 30x 0.01312.
gnomAD v4.1: 3,084 of 1,549,956 alleles (0.2%); highest among the groups gnomAD compares: African/African-American, 3.5%; 53 homozygotes.

Submissions (5):

Labcorp Genetics (formerly Invitae), Labcorp
Classification: Benign. Last evaluated: 2026-01-26. Review status: criteria provided, single submitter. Criteria: Invitae Variant Classification Sherloc (09022015). Collection method: clinical testing. Allele origin: germline.

Mayo Clinic Laboratories, Mayo Clinic
Classification: Likely benign. Last evaluated: 2025-11-13. Review status: criteria provided, single submitter. Criteria: ACMG Guidelines, 2015. Collection method: clinical testing. Allele origin: germline. Observed: 39 variant alleles.
Comment: BS2, BP4, BP7

ARUP Laboratories, Molecular Genetics and Genomics, ARUP Laboratories
Classification: Benign. Last evaluated: 2025-07-01. Review status: criteria provided, single submitter. Criteria: ARUP Molecular Germline Variant Investigation Process 2024. Collection method: clinical testing. Allele origin: germline.

Fulgent Genetics
Classification: Likely benign for Dehydrated hereditary stomatocytosis with or without pseudohyperkalemia and/or perinatal edema; Lymphatic malformation 6. Last evaluated: 2021-09-27. Review status: criteria provided, single submitter. Criteria: ACMG Guidelines, 2015. Collection method: clinical testing. Allele origin: unknown.

Breakthrough Genomics
Classification: Benign. Review status: criteria provided, single submitter. Criteria: ACMG Guidelines, 2015. Collection method: not provided. Allele origin: germline. Inheritance: Autosomal recessive inheritance. Affected: yes.

Literature cited by the submitters: PubMed 36122374 (cited by Mayo Clinic Laboratories, Mayo Clinic).